The following is an entry in ClinVar:

ClinVar aggregate classification (germline): Likely benign. Review status: criteria provided, multiple submitters, no conflicts (2 of 4 stars). 2 submissions from 2 submitters: Likely benign (2). Last evaluated 2025-10-21.

Allele frequency attached by ClinVar (database versions not stated): ExAC 0.00002; gnomAD exomes 0.00002 and 0.00004; gnomAD 0.00003; TOPMed 0.00005; 1000 Genomes Project 0.00020; 1000 Genomes Project 30x 0.00031.
gnomAD v4.1: 27 of 1,614,216 alleles (0.0017%); highest among the groups gnomAD compares: Admixed American, 0.03%; no homozygotes.

Submissions (2):

Labcorp Genetics (formerly Invitae), Labcorp
Classification: Likely benign. Last evaluated: 2025-10-21. Review status: criteria provided, single submitter. Criteria: Invitae Variant Classification Sherloc (09022015). Collection method: clinical testing. Allele origin: germline.

GeneDx
Classification: Likely benign. Last evaluated: 2016-12-02. Review status: criteria provided, single submitter. Criteria: GeneDx Variant Classification (06012015). Collection method: clinical testing. Allele origin: germline. Affected: yes.
Comment: This variant is considered likely benign or benign based on one or more of the following criteria: it is a conservative change, it occurs at a poorly conserved position in the protein, it is predicted to be benign by multiple in silico algorithms, and/or has population frequency not consistent with disease.

NM_001497.4(B4GALT1):c.987T>C (p.Ser329=)

Gene: B4GALT1 (beta-1,4-galactosyltransferase 1; minus strand). Cytogenetic location: 9p21.1.
Variant type: single nucleotide variant.
Coding change: c.987T>C on transcript NM_001497.4 (MANE Select); coding-DNA position 987, T replaced by C.
Protein change: p.Ser329=; no amino-acid change (serine 329 retained).
Molecular consequence: synonymous variant. On other transcripts: intron variant (1).
Genome position (GRCh38, 1-based): chr9:33,113,851, A>G on the plus strand (T>C on the coding strand, the complement: B4GALT1 is on the minus strand). VCF-style: chr9-33113851-A-G. GRCh37 (hg19) VCF-style: chr9-33113849-A-G.
Other names: c.948T>C, p.Ser316= (NM_001378495.1); c.864T>C, p.Ser288= (NM_001378496.1); c.649-9070T>C (NM_001378497.1).
Identifiers: ClinVar variation 391135 (VCV000391135.9), dbSNP rs142150238, ClinGen allele CA5023632.